The following is an entry in ClinVar:

ClinVar aggregate classification (germline): Benign/Likely benign. Review status: criteria provided, multiple submitters, no conflicts (2 of 4 stars). 3 submissions from 3 submitters: Benign (1); Likely benign (2). Last evaluated 2024-04-16.

Conditions:
Hereditary cancer-predisposing syndrome. Also called: Hereditary neoplastic syndrome; Hereditary Cancer Syndrome; Tumor predisposition; Neoplastic Syndromes, Hereditary. Identifiers: Orphanet 140162, MedGen C0027672, MeSH D009386, MONDO:0015356.
Familial adenomatous polyposis 1 (FAP1). Also called: FAMILIAL ADENOMATOUS POLYPOSIS 1, ATTENUATED; POLYPOSIS, ADENOMATOUS INTESTINAL. Identifiers: MedGen C2713442, MONDO:0021056, OMIM 175100. Disease mechanism: loss of function.

Allele frequency attached by ClinVar (database versions not stated): gnomAD exomes below 0.00001.
gnomAD v4.1: 1 of 1,609,196 alleles (0.000062%); highest among the groups gnomAD compares: Non-Finnish European, 0.000085%; no homozygotes.

Submissions (3):

Myriad Genetics, Inc.
Classification: Benign for Familial adenomatous polyposis 1. Last evaluated: 2024-04-16. Review status: criteria provided, single submitter. Criteria: Myriad Autosomal Dominant, Autosomal Recessive and X-Linked Classification Criteria (2023). Collection method: clinical testing. Allele origin: unknown.
Comment: This variant is considered benign. This variant is a silent/synonymous amino acid change and it is not expected to impact splicing.

Labcorp Genetics (formerly Invitae), Labcorp
Classification: Likely benign for Familial adenomatous polyposis 1. Last evaluated: 2022-12-01. Review status: criteria provided, single submitter. Criteria: Invitae Variant Classification Sherloc (09022015). Collection method: clinical testing. Allele origin: germline.

Ambry Genetics
Classification: Likely benign for Hereditary cancer-predisposing syndrome. Last evaluated: 2021-02-04. Review status: criteria provided, single submitter. Criteria: Ambry Variant Classification Scheme 2023. Collection method: clinical testing. Allele origin: germline.

NM_000038.6(APC):c.8487A>G (p.Gln2829=)

Gene: APC (APC regulator of Wnt signaling pathway; plus strand). Cytogenetic location: 5q22.2.
Variant type: single nucleotide variant.
Coding change: c.8487A>G on transcript NM_000038.6 (MANE Select); coding-DNA position 8487, A replaced by G.
Protein change: p.Gln2829=; no amino-acid change (glutamine 2829 retained).
Molecular consequence: synonymous variant.
Genome position (GRCh38, 1-based): chr5:112,844,081, A>G. VCF-style: chr5-112844081-A-G. GRCh37 (hg19) VCF-style: chr5-112179778-A-G.
Other names: c.8487A>G, p.Gln2829= (NM_001127510.3, NM_001354895.2); c.8433A>G, p.Gln2811= (NM_001127511.3); c.8541A>G, p.Gln2847= (NM_001354896.2); c.8517A>G, p.Gln2839= (NM_001354897.2); c.8412A>G, p.Gln2804= (NM_001354898.2); c.8403A>G, p.Gln2801= (NM_001354899.2); c.8364A>G, p.Gln2788= (NM_001354900.2); c.8310A>G, p.Gln2770= (NM_001354901.2); and 5 more.
Identifiers: ClinVar variation 1129467 (VCV001129467.13), dbSNP rs1766760123, ClinGen allele CA446211449.